The following is an entry in ClinVar:

ClinVar aggregate classification (germline): Uncertain significance (1 of 4 stars; one submission).

Conditions:
MELAS syndrome (MELAS). Also called: Juvenile myopathy, encephalopathy, lactic acidosis, stroke. Identifiers: Orphanet 550, MedGen C0162671, MONDO:0010789, OMIM 540000.

Submission:

Wong Mito Lab, Molecular and Human Genetics, Baylor College of Medicine
Classification: Uncertain significance for MELAS syndrome. Last evaluated: 2019-07-12. Review status: criteria provided, single submitter. Criteria: Modified ACMG Guidelines (Unpublished). Collection method: clinical testing. Allele origin: germline.
Comment: The NC_012920.1:m.4360G>A variant in MT-TQ gene is interpreted to be a Unknown Significance variant based on the modified ACMG guidelines (unpublished). This variant meets the following evidence codes reported in the guidelines: PP3, PP7

Literature cited by the submitters: PubMed 31965079.

NC_012920.1(MT-TQ):m.4360G>A

Gene: MT-TQ (mitochondrially encoded tRNA glutamine; minus strand).
Variant type: single nucleotide variant.
Genome position: chrM-4360-G-A.
Identifiers: ClinVar variation 689892 (VCV000689892.1), dbSNP rs1603219422, ClinGen allele CA913177851.